The following is an entry in ClinVar:

NM_001113378.2(FANCI):c.849T>A (p.Tyr283Ter)

Gene: FANCI (FA complementation group I; plus strand). Cytogenetic location: 15q26.1.
Variant type: single nucleotide variant.
Coding change: c.849T>A on transcript NM_001113378.2 (MANE Select); coding-DNA position 849, T replaced by A.
Protein change: p.Tyr283Ter; replaces tyrosine 283 with a stop codon.
Molecular consequence: nonsense.
Genome position (GRCh38, 1-based): chr15:89,268,492, T>A. VCF-style: chr15-89268492-T-A. GRCh37 (hg19) VCF-style: chr15-89811723-T-A.
Other names: c.570T>A, p.Tyr190Ter (NM_001376910.1); c.849T>A, p.Tyr283Ter (NM_001376911.1, NM_018193.3); short protein forms Y283*, Y190*.
Identifiers: ClinVar variation 317266 (VCV000317266.9), dbSNP rs760412752, ClinGen allele CA7722786.

ClinVar aggregate classification (germline): Pathogenic/Likely pathogenic. Review status: criteria provided, multiple submitters, no conflicts (2 of 4 stars). 3 submissions from 3 submitters: Pathogenic (2); Likely pathogenic (1). Last evaluated 2024-12-23.

Conditions:
Fanconi anemia (FA). Also called: Fanconi's anemia. Identifiers: Orphanet 84, MedGen C0015625, MeSH D005199, MONDO:0019391.

Allele frequency attached by ClinVar (database versions not stated): gnomAD exomes below 0.00001; ExAC 0.00001.
gnomAD v4.1: 2 of 1,614,210 alleles (0.00012%); highest among the groups gnomAD compares: Non-Finnish European, 0.00017%; no homozygotes.

Submissions (3):

Labcorp Genetics (formerly Invitae), Labcorp
Classification: Pathogenic for Fanconi anemia. Last evaluated: 2024-12-23. Review status: criteria provided, single submitter. Criteria: Invitae Variant Classification Sherloc (09022015). Collection method: clinical testing. Allele origin: germline.
Comment: This sequence change creates a premature translational stop signal (p.Tyr283*) in the FANCI gene. It is expected to result in an absent or disrupted protein product. Loss-of-function variants in FANCI are known to be pathogenic (PMID: 17452773, 17460694). This variant is present in population databases (rs760412752, gnomAD 0.0009%). This variant has not been reported in the literature in individuals affected with FANCI-related conditions. ClinVar contains an entry for this variant (Variation ID: 317266). Algorithms developed to predict the effect of sequence changes on RNA splicing suggest that this variant may disrupt the consensus splice site. For these reasons, this variant has been classified as Pathogenic.

Women's Health and Genetics/Laboratory Corporation of America, LabCorp
Classification: Likely pathogenic for Fanconi anemia. Last evaluated: 2022-12-19. Review status: criteria provided, single submitter. Criteria: LabCorp Variant Classification Summary - May 2015. Collection method: clinical testing. Allele origin: germline.
Comment: Variant summary: FANCI c.849T>A (p.Tyr283X) results in a premature termination codon, predicted to cause a truncation of the encoded protein or absence of the protein due to nonsense mediated decay, which are commonly known mechanisms for disease. Truncations downstream of this position have been associated with Fanconi Anemia in HGMD. The variant allele was found at a frequency of 4e-06 in 251474 control chromosomes. To our knowledge, no occurrence of c.849T>A in individuals affected with Fanconi Anemia and no experimental evidence demonstrating its impact on protein function have been reported. One clinical diagnostic laboratory has submitted clinical-significance assessments for this variant to ClinVar after 2014 without evidence for independent evaluation. One laboratory classified the variant as uncertain significance. Based on the evidence outlined above, the variant was classified as likely pathogenic.

Laboratory for Molecular Medicine, Mass General Brigham Personalized Medicine
Classification: Pathogenic for Fanconi anemia. Last evaluated: 2014-04-07. Review status: criteria provided, single submitter. Criteria: ACMG Guidelines, 2015. Collection method: clinical testing. Allele origin: germline. Inheritance: Autosomal recessive inheritance.
Comment: The Tyr283X variant in FANCI has not been reported in individuals with Fanconi anemia or in large population studies. This nonsense variant leads to a premature termination codon at position 283, which is predicted to lead to a truncated or absent protein. Biallelic loss of function of the FANCI gene is causative for Fanconi anemia. In summary, this variant meets our criteria to be classified as pathogenic.

Literature cited by the submitters: PubMed 17452773 (cited by Labcorp Genetics (formerly Invitae), Labcorp); PubMed 17460694 (cited by Labcorp Genetics (formerly Invitae), Labcorp).